The following is an entry in ClinVar:

ClinVar aggregate classification (germline): Uncertain significance (1 of 4 stars; one submission).

Conditions:
Charcot-Marie-Tooth disease axonal type 2O. Also called: Charcot-Marie-Tooth Neuropathy Type 2O; Charcot-Marie-Tooth disease, axonal, type 20; CHARCOT-MARIE-TOOTH NEUROPATHY, AXONAL, TYPE 2O; CHARCOT-MARIE-TOOTH DISEASE, AXONAL, AUTOSOMAL DOMINANT, TYPE 2O. Identifiers: Orphanet 284232, MedGen C3280220, MONDO:0013644, OMIM 614228.

Submission:

Labcorp Genetics (formerly Invitae), Labcorp
Classification: Uncertain significance for Charcot-Marie-Tooth disease axonal type 2O. Last evaluated: 2020-06-15. Review status: criteria provided, single submitter. Criteria: Invitae Variant Classification Sherloc (09022015). Collection method: clinical testing. Allele origin: germline.
Comment: In summary, the available evidence is currently insufficient to determine the role of this variant in disease. Therefore, it has been classified as a Variant of Uncertain Significance. Algorithms developed to predict the effect of missense changes on protein structure and function (SIFT, PolyPhen-2, Align-GVGD) all suggest that this variant is likely to be tolerated, but these predictions have not been confirmed by published functional studies and their clinical significance is uncertain. This variant has not been reported in the literature in individuals with DYNC1H1-related conditions. This variant is not present in population databases (ExAC no frequency). This sequence change replaces glutamine with glutamic acid at codon 244 of the DYNC1H1 protein (p.Gln244Glu). The glutamine residue is moderately conserved and there is a small physicochemical difference between glutamine and glutamic acid.

NM_001376.5(DYNC1H1):c.730C>G (p.Gln244Glu)

Gene: DYNC1H1 (dynein cytoplasmic 1 heavy chain 1; plus strand). Cytogenetic location: 14q32.31.
Variant type: single nucleotide variant.
Coding change: c.730C>G on transcript NM_001376.5 (MANE Select); coding-DNA position 730, C replaced by G.
Protein change: p.Gln244Glu; replaces glutamine 244 with glutamic acid.
Molecular consequence: missense variant.
Genome position (GRCh38, 1-based): chr14:101,979,930, C>G. VCF-style: chr14-101979930-C-G. GRCh37 (hg19) VCF-style: chr14-102446267-C-G.
Other names: short protein forms Q244E.
Identifiers: ClinVar variation 1046029 (VCV001046029.8), dbSNP rs2047843892, ClinGen allele CA391008949.